The following is an entry in ClinVar:

NM_014915.3(ANKRD26):c.2098C>G (p.Leu700Val)

Gene: ANKRD26 (ankyrin repeat domain 26; minus strand). Cytogenetic location: 10p12.1.
Variant type: single nucleotide variant.
Coding change: c.2098C>G on transcript NM_014915.3 (MANE Select); coding-DNA position 2098, C replaced by G.
Protein change: p.Leu700Val; replaces leucine 700 with valine.
Molecular consequence: missense variant.
Genome position (GRCh38, 1-based): chr10:27,043,489, G>C on the plus strand (C>G on the coding strand, the complement: ANKRD26 is on the minus strand). VCF-style: chr10-27043489-G-C. GRCh37 (hg19) VCF-style: chr10-27332418-G-C.
Other names: c.2095C>G, p.Leu699Val (NM_001256053.2); short protein forms L699V, L700V.
Identifiers: ClinVar variation 4578687 (VCV004578687.1).

ClinVar aggregate classification (germline): Uncertain significance (1 of 4 stars; one submission).

Conditions:
Inborn genetic diseases. Identifiers: MedGen C0950123, MeSH D030342.

gnomAD v4.1: 25 of 1,613,800 alleles (0.0015%); highest among the groups gnomAD compares: Non-Finnish European, 0.002%; no homozygotes.

Submission:

Ambry Genetics
Classification: Uncertain significance for Inborn genetic diseases. Last evaluated: 2025-10-02. Review status: criteria provided, single submitter. Criteria: Ambry Variant Classification Scheme 2023. Collection method: clinical testing. Allele origin: germline.
Comment: The p.L700V variant (also known as c.2098C>G), located in coding exon 20 of the ANKRD26 gene, results from a C to G substitution at nucleotide position 2098. The leucine at codon 700 is replaced by valine, an amino acid with highly similar properties. This amino acid position is conserved. In addition, this alteration is predicted to be tolerated by in silico analysis. Based on the available evidence, the clinical significance of this variant remains unclear.